The following is an entry in ClinVar:

NM_138576.4(BCL11B):c.1478_1479insAGA (p.Ser493_Ala494insGlu)

Gene: BCL11B (BCL11 transcription factor B; minus strand). Cytogenetic location: 14q32.2.
Variant type: Insertion.
Coding change: c.1478_1479insAGA on transcript NM_138576.4 (MANE Select); coding-DNA positions 1478 to 1479, AGA inserted.
Protein change: p.Ser493_Ala494insGlu.
Molecular consequence: inframe insertion.
Genome position: GRCh38 VCF-style: chr14-99175357-C-CTCT. GRCh37 (hg19) VCF-style: chr14-99641694-C-CTCT.
Other names: c.1475_1476insAGA, p.Ser492_Ala493insGlu (NM_001282237.2); c.1262_1263insAGA, p.Ser421_Ala422insGlu (NM_001282238.2); c.1265_1266insAGA, p.Ser422_Ala423insGlu (NM_022898.3).
Identifiers: ClinVar variation 1436962 (VCV001436962.8), dbSNP rs2139758681, ClinGen allele CA2573150452.

ClinVar aggregate classification (germline): Uncertain significance (1 of 4 stars; one submission).

Submission:

Labcorp Genetics (formerly Invitae), Labcorp
Classification: Uncertain significance. Last evaluated: 2022-06-17. Review status: criteria provided, single submitter. Criteria: Invitae Variant Classification Sherloc (09022015). Collection method: clinical testing. Allele origin: germline.
Comment: In summary, the available evidence is currently insufficient to determine the role of this variant in disease. Therefore, it has been classified as a Variant of Uncertain Significance. Algorithms developed to predict the effect of sequence changes on RNA splicing suggest that this variant may create or strengthen a splice site. This variant has not been reported in the literature in individuals affected with BCL11B-related conditions. This variant is not present in population databases (gnomAD no frequency). This variant, c.1478_1479insAGA, results in the insertion of 1 amino acid(s) of the BCL11B protein (p.Ser493_Ala494insGlu), but otherwise preserves the integrity of the reading frame.